The following is an entry in ClinVar:

ClinVar aggregate classification (germline): Benign. Review status: criteria provided, multiple submitters, no conflicts (2 of 4 stars). 8 submissions from 8 submitters: Benign (8). Last evaluated 2026-02-04.

Conditions:
Hypouricemia, renal, 2. Also called: HYPOURICEMIA, RENAL, 2, AUTOSOMAL DOMINANT; HYPOURICEMIA, RENAL, 2, AUTOSOMAL RECESSIVE. Identifiers: MedGen C2677549, MONDO:0012793, OMIM 612076.

Allele frequency attached by ClinVar (database versions not stated): 1000 Genomes Project 0.64217; 1000 Genomes Project 30x 0.64288; TOPMed 0.70520; gnomAD 0.72256; ESP Exome Variant Server 0.72713.
gnomAD v4.1: 1,182,292 of 1,613,598 alleles (73%); highest among the groups gnomAD compares: Non-Finnish European, 76%; 435,998 homozygotes.

Submissions (8):

Labcorp Genetics (formerly Invitae), Labcorp
Classification: Benign. Last evaluated: 2026-02-04. Review status: criteria provided, single submitter. Criteria: Invitae Variant Classification Sherloc (09022015). Collection method: clinical testing. Allele origin: germline.

Blueprint Genetics
Classification: Benign. Last evaluated: 2024-11-26. Review status: criteria provided, single submitter. Criteria: ACMG Guidelines, 2015. Collection method: clinical testing. Allele origin: germline.

Mayo Clinic Laboratories, Mayo Clinic
Classification: Benign. Last evaluated: 2022-03-09. Review status: criteria provided, single submitter. Criteria: ACMG Guidelines, 2015. Collection method: clinical testing. Allele origin: germline. Observed: 163 variant alleles.

Genome-Nilou Lab
Classification: Benign for Hypouricemia, renal, 2. Last evaluated: 2021-07-15. Review status: criteria provided, single submitter. Criteria: ACMG Guidelines, 2015. Collection method: clinical testing. Allele origin: germline. Affected: no.

Fulgent Genetics
Classification: Benign for Hypouricemia, renal, 2. Last evaluated: 2021-07-14. Review status: criteria provided, single submitter. Criteria: ACMG Guidelines, 2015. Collection method: clinical testing. Allele origin: unknown.

GeneDx
Classification: Benign. Last evaluated: 2019-08-20. Review status: criteria provided, single submitter. Criteria: GeneDx Variant Classification Process June 2021. Collection method: clinical testing. Allele origin: germline. Affected: yes.

Illumina Laboratory Services, Illumina
Classification: Benign for Hypouricemia, renal, 2. Last evaluated: 2018-01-13. Review status: criteria provided, single submitter. Criteria: ICSL Variant Classification Criteria 13 December 2019. Collection method: clinical testing. Allele origin: germline.
Comment: This variant was observed in the ICSL laboratory as part of a predisposition screen in an ostensibly healthy population. It had not been previously curated by ICSL or reported in the Human Gene Mutation Database (HGMD: prior to June 1st, 2018), and was therefore a candidate for classification through an automated scoring system. Utilizing variant allele frequency, disease prevalence and penetrance estimates, and inheritance mode, an automated score was calculated to assess if this variant is too frequent to cause the disease. Based on the score and internal cut-off values, a variant classified as benign is not then subjected to further curation. The score for this variant resulted in a classification of benign for this disease.

Breakthrough Genomics
Classification: Benign. Review status: criteria provided, single submitter. Criteria: ACMG Guidelines, 2015. Collection method: not provided. Allele origin: germline. Inheritance: Autosomal dominant inheritance. Affected: yes.

NM_020041.3(SLC2A9):c.375G>A (p.Thr125=)

Genes: SLC2A9 (solute carrier family 2 member 9; minus strand), SLC2A9-AS1 (SLC2A9 antisense RNA 1; plus strand). Cytogenetic location: 4p16.1.
Variant type: single nucleotide variant.
Coding change: c.375G>A on transcript NM_020041.3 (MANE Select); coding-DNA position 375, G replaced by A.
Protein change: p.Thr125=; no amino-acid change (threonine 125 retained).
Molecular consequence: synonymous variant.
Genome position (GRCh38, 1-based): chr4:9,996,816, C>T on the plus strand (G>A on the coding strand, the complement: SLC2A9 is on the minus strand). VCF-style: chr4-9996816-C-T. GRCh37 (hg19) VCF-style: chr4-9998440-C-T.
Other names: p.Thr125=; c.288G>A, p.Thr96= (NM_001001290.2).
Identifiers: ClinVar variation 350237 (VCV000350237.21), dbSNP rs10939650, ClinGen allele CA2857261.